The following is an entry in ClinVar:

ClinVar aggregate classification (germline): Likely benign. Review status: criteria provided, single submitter (1 of 4 stars). 2 submissions from 2 submitters: Likely benign (1). 1 of the submissions does not count toward it. Last evaluated 2026-01-20.

Conditions:
TYROBP-related disorder. Also called: TYROBP-related condition.

Allele frequency attached by ClinVar (database versions not stated): gnomAD 0.00023 and 0.00024; TOPMed 0.00023; ExAC 0.00026; ESP Exome Variant Server 0.00031; gnomAD exomes 0.00032.
gnomAD v4.1: 281 of 1,613,272 alleles (0.017%); highest among the groups gnomAD compares: Admixed American, 0.025%; no homozygotes.

Submissions (2):

Labcorp Genetics (formerly Invitae), Labcorp
Classification: Likely benign. Last evaluated: 2026-01-20. Review status: criteria provided, single submitter. Criteria: Invitae Variant Classification Sherloc (09022015). Collection method: clinical testing. Allele origin: germline.

PreventionGenetics, part of Exact Sciences
Classification: Likely benign for TYROBP-related condition. Last evaluated: 2024-05-21. Review status: no assertion criteria provided. Collection method: clinical testing. Allele origin: germline. Not counted in ClinVar's aggregate classification.
Comment: This variant is classified as likely benign based on ACMG/AMP sequence variant interpretation guidelines (Richards et al. 2015 PMID: 25741868, with internal and published modifications).

NM_003332.4(TYROBP):c.209G>A (p.Arg70Gln)

Gene: TYROBP (transmembrane immune signaling adaptor TYROBP; minus strand). Cytogenetic location: 19q13.12.
Variant type: single nucleotide variant.
Coding change: c.209G>A on transcript NM_003332.4 (MANE Select); coding-DNA position 209, G replaced by A.
Protein change: p.Arg70Gln; replaces arginine 70 with glutamine.
Molecular consequence: missense variant. On other transcripts: non-coding transcript variant (1).
Genome position (GRCh38, 1-based): chr19:35,907,466, C>T on the plus strand (G>A on the coding strand, the complement: TYROBP is on the minus strand). VCF-style: chr19-35907466-C-T. GRCh37 (hg19) VCF-style: chr19-36398368-C-T.
Other names: c.176G>A, p.Arg59Gln (NM_001173514.2, NM_001173515.2); c.209G>A, p.Arg70Gln (NM_198125.3); short protein forms R59Q, R70Q.
Identifiers: ClinVar variation 756638 (VCV000756638.10), dbSNP rs200634946, ClinGen allele CA9393077.